The following is an entry in ClinVar:

ClinVar aggregate classification (germline): Uncertain significance (1 of 4 stars; one submission).

Conditions:
Inborn genetic diseases. Identifiers: MedGen C0950123, MeSH D030342.

Submission:

Ambry Genetics
Classification: Uncertain significance for Inborn genetic diseases. Last evaluated: 2026-04-04. Review status: criteria provided, single submitter. Criteria: Ambry Variant Classification Scheme 2023. Collection method: clinical testing. Allele origin: germline.
Comment: The p.S652R variant (also known as c.1956T>G), located in coding exon 18 of the ANKRD26 gene, results from a T to G substitution at nucleotide position 1956. The serine at codon 652 is replaced by arginine, an amino acid with dissimilar properties. This amino acid position is conserved. In addition, this alteration is predicted to be tolerated by in silico analysis. Based on the available evidence, the clinical significance of this variant remains unclear.

NM_014915.3(ANKRD26):c.1956T>G (p.Ser652Arg)

Gene: ANKRD26 (ankyrin repeat domain 26; minus strand). Cytogenetic location: 10p12.1.
Variant type: single nucleotide variant.
Coding change: c.1956T>G on transcript NM_014915.3 (MANE Select); coding-DNA position 1956, T replaced by G.
Protein change: p.Ser652Arg; replaces serine 652 with arginine.
Molecular consequence: missense variant.
Genome position (GRCh38, 1-based): chr10:27,046,382, A>C on the plus strand (T>G on the coding strand, the complement: ANKRD26 is on the minus strand). VCF-style: chr10-27046382-A-C. GRCh37 (hg19) VCF-style: chr10-27335311-A-C.
Other names: c.1953T>G, p.Ser651Arg (NM_001256053.2); short protein forms S651R, S652R.
Identifiers: ClinVar variation 4859221 (VCV004859221.1).
Genomic context (GRCh38, chr10:27,046,382, plus strand): 5'-CATAGAAAAATAAAGAAATCATAGATTTTACCTTCCTTCATCCTCATCTATTTCACTTAA[A>C]CTGCTGTCATCATCCACTTGTAGCAGGCCACCAGTTAGTAAACTGGCCTTCCCAAACACT-3'
Protein context (NP_055730.2, residues 642-662): GGLLQVDDDS[Ser652Arg]LSEIDEDEGR